The following is an entry in ClinVar:

NM_006502.3(POLH):c.*5630G>A

Gene: POLH (DNA polymerase eta; plus strand). Cytogenetic location: 6p21.1.
Variant type: single nucleotide variant.
Coding change: c.*5630G>A on transcript NM_006502.3 (MANE Select); 5630 bases downstream of the stop codon, G replaced by A.
Molecular consequence: 3 prime UTR variant.
Genome position (GRCh38, 1-based): chr6:43,620,187, G>A. VCF-style: chr6-43620187-G-A. GRCh37 (hg19) VCF-style: chr6-43587924-G-A.
Other names: c.*5630G>A (NM_001291969.2); c.*6456G>A (NM_001291970.2).
Identifiers: ClinVar variation 357012 (VCV000357012.7), dbSNP rs116106873, ClinGen allele CA10626897.

ClinVar aggregate classification (germline): Benign (1 of 4 stars; one submission).

Conditions:
Xeroderma pigmentosum variant type. Also called: POLH-Related Xeroderma Pigmentosum; PHOTOSENSITIVITY WITH DEFECTIVE DNA SYNTHESIS; XERODERMA PIGMENTOSUM WITH NORMAL DNA REPAIR RATES. Identifiers: Orphanet 90342, MedGen C1848410, MONDO:0010214, OMIM 278750.

Allele frequency attached by ClinVar (database versions not stated): TOPMed 0.00671; 1000 Genomes Project 0.01018; 1000 Genomes Project 30x 0.01140.
gnomAD v4.1: 1,307 of 491,684 alleles (0.27%); highest among the groups gnomAD compares: African/African-American, 2.2%; 11 homozygotes.

Submission:

Illumina Laboratory Services, Illumina
Classification: Benign for Xeroderma pigmentosum variant type. Last evaluated: 2018-01-13. Review status: criteria provided, single submitter. Criteria: ICSL Variant Classification Criteria 13 December 2019. Collection method: clinical testing. Allele origin: germline.
Comment: This variant was observed in the ICSL laboratory as part of a predisposition screen in an ostensibly healthy population. It had not been previously curated by ICSL or reported in the Human Gene Mutation Database (HGMD: prior to June 1st, 2018), and was therefore a candidate for classification through an automated scoring system. Utilizing variant allele frequency, disease prevalence and penetrance estimates, and inheritance mode, an automated score was calculated to assess if this variant is too frequent to cause the disease. Based on the score and internal cut-off values, a variant classified as benign is not then subjected to further curation. The score for this variant resulted in a classification of benign for this disease.